The following is an entry in ClinVar:

NM_006662.3(SRCAP):c.6986G>T (p.Arg2329Leu)

Gene: SRCAP (Snf2 related CREBBP activator protein; plus strand). Cytogenetic location: 16p11.2.
Variant type: single nucleotide variant.
Coding change: c.6986G>T on transcript NM_006662.3 (MANE Select); coding-DNA position 6986, G replaced by T.
Protein change: p.Arg2329Leu; replaces arginine 2329 with leucine.
Molecular consequence: missense variant.
Genome position (GRCh38, 1-based): chr16:30,736,602, G>T. VCF-style: chr16-30736602-G-T. GRCh37 (hg19) VCF-style: chr16-30747923-G-T.
Other names: c.6986G>T (NM_006662.2); short protein forms R2329L.
Identifiers: ClinVar variation 2780702 (VCV002780702.4), dbSNP rs1386993634, ClinGen allele CA395630024.

ClinVar aggregate classification (germline): Uncertain significance. Review status: criteria provided, multiple submitters, no conflicts (2 of 4 stars). 2 submissions from 2 submitters: Uncertain significance (2). Last evaluated 2024-10-25.

Conditions:
Inborn genetic diseases. Identifiers: MedGen C0950123, MeSH D030342.

Submissions (2):

Labcorp Genetics (formerly Invitae), Labcorp
Classification: Uncertain significance. Last evaluated: 2024-10-25. Review status: criteria provided, single submitter. Criteria: Invitae Variant Classification Sherloc (09022015). Collection method: clinical testing. Allele origin: germline.
Comment: This sequence change replaces arginine, which is basic and polar, with leucine, which is neutral and non-polar, at codon 2329 of the SRCAP protein (p.Arg2329Leu). This variant is not present in population databases (gnomAD no frequency). This variant has not been reported in the literature in individuals affected with SRCAP-related conditions. Invitae Evidence Modeling of protein sequence and biophysical properties (such as structural, functional, and spatial information, amino acid conservation, physicochemical variation, residue mobility, and thermodynamic stability) indicates that this missense variant is not expected to disrupt SRCAP protein function with a negative predictive value of 80%. In summary, the available evidence is currently insufficient to determine the role of this variant in disease. Therefore, it has been classified as a Variant of Uncertain Significance.

Ambry Genetics
Classification: Uncertain significance for Inborn genetic diseases. Last evaluated: 2024-04-01. Review status: criteria provided, single submitter. Criteria: Ambry Variant Classification Scheme 2023. Collection method: clinical testing. Allele origin: germline.